The following is an entry in ClinVar:

ClinVar aggregate classification (germline): Pathogenic/Likely pathogenic. Review status: criteria provided, multiple submitters, no conflicts (2 of 4 stars). 8 submissions from 8 submitters: Pathogenic (4); Likely pathogenic (1). 3 of the submissions do not count toward it. Last evaluated 2025-03-30.

Conditions:
Charcot-Marie-Tooth disease. Also called: Charcot-Marie-Tooth Neuropathy; Charcot-Marie-Tooth Hereditary Neuropathy. Identifiers: Orphanet 166, MedGen C0007959, MONDO:0015626.
Charcot-Marie-Tooth disease, axonal, with vocal cord paresis, autosomal recessive. Also called: CHARCOT-MARIE-TOOTH DISEASE, TYPE 4A, AXONAL FORM; CHARCOT-MARIE-TOOTH NEUROPATHY, AXONAL, WITH VOCAL CORD PARESIS, AUTOSOMAL RECESSIVE; CMT2 WITH VOCAL CORD PARESIS, AUTOSOMAL RECESSIVE. Identifiers: Orphanet 101097, MedGen C1843183, MONDO:0011898, OMIM 607706.
Charcot-Marie-Tooth disease recessive intermediate A (CMTRIA). Also called: CHARCOT-MARIE-TOOTH NEUROPATHY, RECESSIVE INTERMEDIATE A. Identifiers: Orphanet 217055, MedGen C1842197, MONDO:0012014, OMIM 608340.
Charcot-Marie-Tooth disease axonal type 2K (CMT2K). Also called: CHARCOT-MARIE-TOOTH DISEASE, AXONAL, AUTOSOMAL RECESSIVE, TYPE 2K; CHARCOT-MARIE-TOOTH NEUROPATHY, AXONAL, TYPE 2K; Charcot-Marie-Tooth disease type 2K. Identifiers: Orphanet 101097, Orphanet 99944, MedGen C1842983, MONDO:0011916, OMIM 607831.
Charcot-Marie-Tooth disease type 4A. Also called: Charcot-Marie-Tooth disease, demyelinating, autosomal recessive, type 4a. Identifiers: Orphanet 99948, MedGen C1859198, MONDO:0008961, OMIM 214400.
Inborn genetic diseases. Identifiers: MedGen C0950123, MeSH D030342.

Allele frequency attached by ClinVar (database versions not stated): gnomAD 0.00001; gnomAD exomes 0.00001; TOPMed 0.00001.
gnomAD v4.1: 6 of 1,614,004 alleles (0.00037%); highest among the groups gnomAD compares: East Asian, 0.011%; no homozygotes.

Submissions (8):

Labcorp Genetics (formerly Invitae), Labcorp
Classification: Pathogenic for Charcot-Marie-Tooth disease type 4A. Last evaluated: 2025-03-30. Review status: criteria provided, single submitter. Criteria: Invitae Variant Classification Sherloc (09022015). Collection method: clinical testing. Allele origin: germline.
Comment: This sequence change replaces histidine, which is basic and polar, with arginine, which is basic and polar, at codon 256 of the GDAP1 protein (p.His256Arg). This variant is present in population databases (no rsID available, gnomAD 0.02%). This missense change has been observed in individuals with autosomal recessive Charcot-Marie-Tooth disease (PMID: 15192818, 21692914, 22206013, 28495047, 29372391). It has also been observed to segregate with disease in related individuals. ClinVar contains an entry for this variant (Variation ID: 618662). Invitae Evidence Modeling of protein sequence and biophysical properties (such as structural, functional, and spatial information, amino acid conservation, physicochemical variation, residue mobility, and thermodynamic stability) indicates that this missense variant is expected to disrupt GDAP1 protein function with a positive predictive value of 80%. For these reasons, this variant has been classified as Pathogenic.

Fulgent Genetics
Classification: Pathogenic for Charcot-Marie-Tooth disease type 4A; Charcot-Marie-Tooth disease, axonal, with vocal cord paresis, autosomal recessive; Charcot-Marie-Tooth disease axonal type 2K; Charcot-Marie-Tooth disease recessive intermediate A. Last evaluated: 2024-02-17. Review status: criteria provided, single submitter. Criteria: ACMG Guidelines, 2015. Collection method: clinical testing. Allele origin: germline.

Ambry Genetics
Classification: Pathogenic for Inborn genetic diseases. Last evaluated: 2023-11-22. Review status: criteria provided, single submitter. Criteria: Ambry Variant Classification Scheme 2023. Collection method: clinical testing. Allele origin: germline.
Comment: The c.767A>G (p.H256R) alteration is located in exon 6 (coding exon 6) of the GDAP1 gene. This alteration results from an A to G substitution at nucleotide position 767, causing the histidine (H) at amino acid position 256 to be replaced by an arginine (R). _x000D_ _x000D_ for autosomal recessive GDAP1-related Charcot-Marie-Tooth disease; however, it is unlikely to be causative of autosomal dominant GDAP1-related Charcot-Marie-Tooth disease, type 2. Based on data from gnomAD, the G allele has an overall frequency of 0.001% (4/282870) total alleles studied. The highest observed frequency was 0.02% (4/19952) of East Asian alleles. This alteration was detected in the homozygous state or in conjunction with another alteration in GDAP1 in multiple individuals with autosomal recessive GDAP1-related Charcot-Marie-Tooth disease (Hsu, 2019; Kim, 2021; Fu, 2017; Lin, 2011; Wu, 2021; Pakhrin, 2018). This amino acid position is highly conserved in available vertebrate species. This alteration is predicted to be deleterious by in silico analysis. Based on the available evidence, this alteration is classified as pathogenic.

ARUP Laboratories, Molecular Genetics and Genomics, ARUP Laboratories
Classification: Pathogenic. Last evaluated: 2018-02-22. Review status: criteria provided, single submitter. Criteria: ARUP Molecular Germline Variant Investigation Process. Collection method: clinical testing. Allele origin: germline.
Comment: The GDAP1 c.767A>G; p.His256Arg variant is reported in the literature in the homozygous or compound heterozygous state in at least six individuals affected with CMT type 2 and was shown to segregate with the disease in at least four of the affected families (Chung 2011, Fu 2017, Lin 2011, Zhang 2004). This variant is listed in the genome Aggregation Database (gnomAD) with an East Asian population frequency of 0.02% (identified on 4 out of 18,868 chromosomes). The histidine at position 256 is highly conserved, considering 12 species, and computational analyses of the effects of the p.His256Arg variant on protein structure and function make conflicting predictions (SIFT: tolerated, PolyPhen-2: probably damaging). Based on the available information, the p.His256Arg variant is likely to be pathogenic.

Juno Genomics, Hangzhou Juno Genomics, Inc
Classification: Likely pathogenic for Charcot-Marie-Tooth disease axonal type 2K; Charcot-Marie-Tooth disease, axonal, with vocal cord paresis, autosomal recessive; Charcot-Marie-Tooth disease recessive intermediate A; Charcot-Marie-Tooth disease type 4A. Review status: criteria provided, single submitter. Criteria: ACMG Guidelines, 2015. Collection method: clinical testing. Allele origin: germline. Affected: yes.
Comment: Absent from controls (or at extremely low frequency if recessive) in Genome Aggregation Database, Exome Sequencing Project, 1000 Genomes Project, or Exome Aggregation Consortium.;Multiple lines of computational evidence support a deleterious effect on the gene or gene product (conservation, evolutionary, splicing impact, etc).;For recessive disorders, detected in trans with a pathogenic variant.;Patient's phenotype or family history is highly specific for a disease with a single genetic etiology.

Genesis Genome Database
Classification: Uncertain significance for Charcot-Marie-Tooth disease. Last evaluated: 2019-08-14. Review status: no assertion criteria provided. Collection method: research. Allele origin: germline. Affected: yes. Not counted in ClinVar's aggregate classification.

Inherited Neuropathy Consortium Ii, University Of Miami
Classification: Uncertain significance for Charcot-Marie-Tooth disease axonal type 2K. Last evaluated: 2016-01-06. Review status: no assertion criteria provided. Collection method: literature only. Allele origin: germline. Affected: yes. Not counted in ClinVar's aggregate classification.

Inherited Neuropathy Consortium
Classification: Uncertain significance for Charcot-Marie-Tooth disease. Review status: no assertion criteria provided. Collection method: literature only. Allele origin: germline. Affected: yes. Not counted in ClinVar's aggregate classification.

Literature cited by the submitters: PubMed 15192818 (cited by Labcorp Genetics (formerly Invitae), Labcorp); PubMed 21692914 (cited by 3 submitters); PubMed 22206013 (cited by Labcorp Genetics (formerly Invitae), Labcorp and Ambry Genetics); PubMed 28495047 (cited by Labcorp Genetics (formerly Invitae), Labcorp and Ambry Genetics); PubMed 29372391 (cited by Labcorp Genetics (formerly Invitae), Labcorp and Ambry Genetics); PubMed 31211173 (cited by Ambry Genetics); PubMed 33480199 (cited by Ambry Genetics); PubMed 34366782 (cited by Ambry Genetics).

NM_018972.4(GDAP1):c.767A>G (p.His256Arg)

Gene: GDAP1 (ganglioside induced differentiation associated protein 1; plus strand). Cytogenetic location: 8q21.11.
Variant type: single nucleotide variant.
Coding change: c.767A>G on transcript NM_018972.4 (MANE Select); coding-DNA position 767, A replaced by G.
Protein change: p.His256Arg; replaces histidine 256 with arginine.
Molecular consequence: missense variant. On other transcripts: intron variant (1).
Genome position (GRCh38, 1-based): chr8:74,364,057, A>G. VCF-style: chr8-74364057-A-G. GRCh37 (hg19) VCF-style: chr8-75276292-A-G.
Other names: c.563A>G, p.His188Arg (NM_001040875.4); c.440A>G, p.His147Arg (NM_001362929.2, NM_001362932.2); c.593A>G, p.His198Arg (NM_001362930.2); c.694+1004A>G (NM_001362931.2); short protein forms H256R, H188R, H198R, H147R.
Identifiers: ClinVar variation 618662 (VCV000618662.24), dbSNP rs1476856429, ClinGen allele CA371550138.